The following is an entry in ClinVar:

NM_000245.4(MET):c.2099A>G (p.Lys700Arg)

Gene: MET (MET proto-oncogene, receptor tyrosine kinase; plus strand). Cytogenetic location: 7q31.2.
Variant type: single nucleotide variant.
Coding change: c.2099A>G on transcript NM_000245.4 (MANE Select); coding-DNA position 2099, A replaced by G.
Protein change: p.Lys700Arg; replaces lysine 700 with arginine.
Molecular consequence: missense variant.
Genome position (GRCh38, 1-based): chr7:116,757,771, A>G. VCF-style: chr7-116757771-A-G. GRCh37 (hg19) VCF-style: chr7-116397825-A-G.
Other names: c.2099A>G (NM_001127500.1); c.2099A>G, p.Lys700Arg (NM_001127500.3, NM_001324401.3); c.809A>G, p.Lys270Arg (NM_001324402.2); short protein forms K270R, K700R.
Identifiers: ClinVar variation 1411930 (VCV001411930.7), dbSNP rs751907602, ClinGen allele CA4448373.

ClinVar aggregate classification (germline): Uncertain significance. Review status: criteria provided, multiple submitters, no conflicts (2 of 4 stars). 2 submissions from 2 submitters: Uncertain significance (2). Last evaluated 2025-11-09.

Conditions:
Renal cell carcinoma. Identifiers: Orphanet 217071, MedGen C0007134, MeSH D002292, MONDO:0005086, HP:0005584.
Hereditary cancer-predisposing syndrome. Also called: Hereditary Cancer Syndrome; Tumor predisposition; Hereditary neoplastic syndrome; Neoplastic Syndromes, Hereditary. Identifiers: Orphanet 140162, MedGen C0027672, MeSH D009386, MONDO:0015356.

Allele frequency attached by ClinVar (database versions not stated): gnomAD exomes below 0.00001; ExAC 0.00001.

Submissions (2):

Labcorp Genetics (formerly Invitae), Labcorp
Classification: Uncertain significance for Renal cell carcinoma. Last evaluated: 2025-11-09. Review status: criteria provided, single submitter. Criteria: Invitae Variant Classification Sherloc (09022015). Collection method: clinical testing. Allele origin: germline.
Comment: This sequence change replaces lysine, which is basic and polar, with arginine, which is basic and polar, at codon 700 of the MET protein (p.Lys700Arg). This variant is present in population databases (rs751907602, gnomAD 0.007%). This variant has not been reported in the literature in individuals affected with MET-related conditions. ClinVar contains an entry for this variant (Variation ID: 1411930). Invitae Evidence Modeling of protein sequence and biophysical properties (such as structural, functional, and spatial information, amino acid conservation, physicochemical variation, residue mobility, and thermodynamic stability) indicates that this missense variant is not expected to disrupt MET protein function with a negative predictive value of 80%. In summary, the available evidence is currently insufficient to determine the role of this variant in disease. Therefore, it has been classified as a Variant of Uncertain Significance.

Ambry Genetics
Classification: Uncertain significance for Hereditary cancer-predisposing syndrome. Last evaluated: 2024-02-16. Review status: criteria provided, single submitter. Criteria: Ambry Variant Classification Scheme 2023. Collection method: clinical testing. Allele origin: germline.
Comment: The p.K700R variant (also known as c.2099A>G), located in coding exon 7 of the MET gene, results from an A to G substitution at nucleotide position 2099. The lysine at codon 700 is replaced by arginine, an amino acid with highly similar properties. This amino acid position is well conserved in available vertebrate species. In addition, this alteration is predicted to be tolerated by in silico analysis. Based on the available evidence, the clinical significance of this alteration remains unclear.